The following is an entry in ClinVar:

NM_005120.3(MED12):c.6321G>A (p.Gln2107=)

Gene: MED12 (mediator complex subunit 12; plus strand). Cytogenetic location: Xq13.1.
Variant type: single nucleotide variant.
Coding change: c.6321G>A on transcript NM_005120.3 (MANE Select); coding-DNA position 6321, G replaced by A.
Protein change: p.Gln2107=; no amino-acid change (glutamine 2107 retained).
Molecular consequence: synonymous variant.
Genome position (GRCh38, 1-based): chrX:71,141,283, G>A. VCF-style: chrX-71141283-G-A. GRCh37 (hg19) VCF-style: chrX-70361133-G-A.
Identifiers: ClinVar variation 458831 (VCV000458831.20), dbSNP rs778103349, ClinGen allele CA330985283.

ClinVar aggregate classification (germline): Likely benign. Review status: criteria provided, multiple submitters, no conflicts (2 of 4 stars). 3 submissions from 3 submitters: Likely benign (3). Last evaluated 2026-01-01.

Conditions:
FG syndrome (FGS). Identifiers: MedGen C0220769, MONDO:0002010.

Allele frequency attached by ClinVar (database versions not stated): gnomAD exomes below 0.00001; 1000 Genomes Project 0.00106.

Submissions (3):

CeGaT Center for Human Genetics Tuebingen
Classification: Likely benign. Last evaluated: 2026-01-01. Review status: criteria provided, single submitter. Criteria: CeGaT Center For Human Genetics Tuebingen Variant Classification Criteria Version 2. Collection method: clinical testing. Allele origin: germline. Affected: yes. Observed: 2 variant alleles.
Comment: MED12: BP4, BP7

Labcorp Genetics (formerly Invitae), Labcorp
Classification: Likely benign for FG syndrome. Last evaluated: 2025-02-11. Review status: criteria provided, single submitter. Criteria: Invitae Variant Classification Sherloc (09022015). Collection method: clinical testing. Allele origin: germline.

Blueprint Genetics
Classification: Likely benign. Last evaluated: 2024-01-15. Review status: criteria provided, single submitter. Criteria: ACMG Guidelines, 2015. Collection method: clinical testing. Allele origin: germline.